The following is an entry in ClinVar:

NM_004370.6(COL12A1):c.190G>A (p.Asp64Asn)

Gene: COL12A1 (collagen type XII alpha 1 chain; minus strand). Cytogenetic location: 6q13.
Variant type: single nucleotide variant.
Coding change: c.190G>A on transcript NM_004370.6 (MANE Select); coding-DNA position 190, G replaced by A.
Protein change: p.Asp64Asn; replaces aspartic acid 64 with asparagine.
Molecular consequence: missense variant. On other transcripts: intron variant (1).
Genome position (GRCh38, 1-based): chr6:75,194,831, C>T on the plus strand (G>A on the coding strand, the complement: COL12A1 is on the minus strand). VCF-style: chr6-75194831-C-T. GRCh37 (hg19) VCF-style: chr6-75904547-C-T.
Other names: c.190G>A (NM_004370.5); c.73+7889G>A (NM_080645.3); short protein forms D64N.
Identifiers: ClinVar variation 2025874 (VCV002025874.5), dbSNP rs2533631136, ClinGen allele CA364731749.
Genomic context (GRCh38, chr6:75,194,831, plus strand): 5'-TGGAGATTGAGTTATATCATCATGATGCTTCTGTCCTAAAACCCCAGTCTCAAAACTTAC[C>T]CGTTGTAGGGTCCACCGTTATTCTGTAACCCACAATTGGATCAACTGGTTTTGCCCATGA-3'
Protein context (NP_004361.3, residues 54-74): GYRITVDPTT[Asp64Asn]GPTKEFTLSA

ClinVar aggregate classification (germline): Uncertain significance (1 of 4 stars; one submission).

Conditions:
Ullrich congenital muscular dystrophy 2 (UCMD2). Identifiers: Orphanet 75840, MedGen C4225314, MONDO:0014654, OMIM 616470.
Bethlem myopathy 2 (BTHLM2). Identifiers: Orphanet 536516, Orphanet 610, MedGen C4225313, MONDO:0034022, OMIM 616471.

Submission:

Labcorp Genetics (formerly Invitae), Labcorp
Classification: Uncertain significance for Bethlem myopathy 2; Ullrich congenital muscular dystrophy 2. Last evaluated: 2022-09-14. Review status: criteria provided, single submitter. Criteria: Invitae Variant Classification Sherloc (09022015). Collection method: clinical testing. Allele origin: germline.
Comment: This sequence change replaces aspartic acid, which is acidic and polar, with asparagine, which is neutral and polar, at codon 64 of the COL12A1 protein (p.Asp64Asn). This variant also falls at the last nucleotide of exon 3, which is part of the consensus splice site for this exon. This variant is not present in population databases (gnomAD no frequency). This variant has not been reported in the literature in individuals affected with COL12A1-related conditions. Algorithms developed to predict the effect of missense changes on protein structure and function are either unavailable or do not agree on the potential impact of this missense change (SIFT: "Deleterious"; PolyPhen-2: "Benign"; Align-GVGD: "Class C0"). Variants that disrupt the consensus splice site are a relatively common cause of aberrant splicing (PMID: 17576681, 9536098). In summary, the available evidence is currently insufficient to determine the role of this variant in disease. Therefore, it has been classified as a Variant of Uncertain Significance.

Literature cited by the submitters: PubMed 17576681 (cited by Labcorp Genetics (formerly Invitae), Labcorp); PubMed 9536098 (cited by Labcorp Genetics (formerly Invitae), Labcorp).